The following is an entry in ClinVar:

ClinVar aggregate classification (germline): Uncertain significance (1 of 4 stars; one submission).

Conditions:
Hereditary cancer-predisposing syndrome. Also called: Neoplastic Syndromes, Hereditary; Tumor predisposition; Hereditary neoplastic syndrome; Hereditary Cancer Syndrome. Identifiers: Orphanet 140162, MedGen C0027672, MeSH D009386, MONDO:0015356.

Submission:

Ambry Genetics
Classification: Uncertain significance for Hereditary cancer-predisposing syndrome. Last evaluated: 2023-01-17. Review status: criteria provided, single submitter. Criteria: Ambry Variant Classification Scheme 2023. Collection method: clinical testing. Allele origin: germline.
Comment: The p.N71K variant (also known as c.213T>A), located in coding exon 3 of the PMS2 gene, results from a T to A substitution at nucleotide position 213. The asparagine at codon 71 is replaced by lysine, an amino acid with similar properties. This amino acid position is conserved. In addition, the in silico prediction for this alteration is inconclusive. Since supporting evidence is limited at this time, the clinical significance of this alteration remains unclear.

NM_000535.7(PMS2):c.213T>A (p.Asn71Lys)

Gene: PMS2 (PMS1 homolog 2, mismatch repair system component; minus strand). Cytogenetic location: 7p22.1.
Variant type: single nucleotide variant.
Coding change: c.213T>A on transcript NM_000535.7 (MANE Select); coding-DNA position 213, T replaced by A.
Protein change: p.Asn71Lys; replaces asparagine 71 with lysine.
Molecular consequence: missense variant. On other transcripts: 5 prime UTR variant (44), non-coding transcript variant (1), intron variant (1).
Genome position (GRCh38, 1-based): chr7:6,004,009, A>T on the plus strand (T>A on the coding strand, the complement: PMS2 is on the minus strand). VCF-style: chr7-6004009-A-T. GRCh37 (hg19) VCF-style: chr7-6043640-A-T.
Other names: c.-193T>A (NM_001018040.1, NM_001322003.2, NM_001322004.2 and 14 more transcripts); c.213T>A, p.Asn71Lys (NM_001322006.2, NM_001322014.2, NM_001406868.1 and 10 more transcripts); c.-3T>A (NM_001322007.2, NM_001322008.2, NM_001406876.1 and 4 more transcripts); c.-672T>A (NM_001322011.2, NM_001322012.2); c.-272T>A (NM_001322015.2, NM_001406875.1, NM_001406877.1 and 3 more transcripts); c.399T>A, p.Asn133Lys (NM_001406866.1); c.-219T>A (NM_001406880.1); c.-169T>A (NM_001406881.1, NM_001406900.1); and 3 more; short protein forms N133K, N71K.
Identifiers: ClinVar variation 2451617 (VCV002451617.2), dbSNP rs1554304994, ClinGen allele CA366744837.